The following is an entry in ClinVar:

ClinVar aggregate classification (germline): Likely benign (0 of 4 stars; one submission).

Conditions:
RPS6KA3-related disorder. Also called: RPS6KA3-related condition.

Submission:

PreventionGenetics, part of Exact Sciences
Classification: Likely benign for RPS6KA3-related condition. Last evaluated: 2023-04-28. Review status: no assertion criteria provided. Collection method: clinical testing. Allele origin: germline.
Comment: This variant is classified as likely benign based on ACMG/AMP sequence variant interpretation guidelines (Richards et al. 2015 PMID: 25741868, with internal and published modifications).

NM_004586.3(RPS6KA3):c.1491A>G (p.Lys497=)

Gene: RPS6KA3 (ribosomal protein S6 kinase A3; minus strand). Cytogenetic location: Xp22.12.
Variant type: single nucleotide variant.
Coding change: c.1491A>G on transcript NM_004586.3 (MANE Select); coding-DNA position 1491, A replaced by G.
Protein change: p.Lys497=; no amino-acid change (lysine 497 retained).
Molecular consequence: synonymous variant.
Genome position (GRCh38, 1-based): chrX:20,167,700, T>C on the plus strand (A>G on the coding strand, the complement: RPS6KA3 is on the minus strand). VCF-style: chrX-20167700-T-C. GRCh37 (hg19) VCF-style: chrX-20185818-T-C.
Identifiers: ClinVar variation 3356840 (VCV003356840.1).